The following is an entry in ClinVar:

NM_000048.4(ASL):c.1172_1173delinsAA (p.Ser391Ter)

Gene: ASL (argininosuccinate lyase; plus strand). Cytogenetic location: 7q11.21.
Variant type: Indel.
Coding change: c.1172_1173delinsAA on transcript NM_000048.4 (MANE Select); coding-DNA positions 1172 to 1173, CC replaced by AA.
Protein change: p.Ser391Ter; replaces serine 391 with a stop codon.
Molecular consequence: nonsense.
Genome position (GRCh38, 1-based): chr7:66,092,585-66,092,586, CC replaced by AA. VCF-style: chr7-66092585-CC-AA. GRCh37 (hg19) VCF-style: chr7-65557572-CC-AA.
Other names: c.1172_1173delinsAA, p.Ser391Ter (NM_001024943.2); c.1112_1113delinsAA, p.Ser371Ter (NM_001024944.2); c.1094_1095delinsAA, p.Ser365Ter (NM_001024946.2); short protein forms S365*, S371*, S391*.
Identifiers: ClinVar variation 956283 (VCV000956283.7), dbSNP rs1786880122, ClinGen allele CA1139660077.
Genomic context (GRCh38, chr7:66,092,585, plus strand): 5'-GCCTCAGCGCCATCTTCCTCCCTGGCACCCAGATGCCATTCCGCCAGGCCCACGAGGCCT[CC>AA]GGGAAAGCTGTGTTCATGGCCGAGACCAAGGGGGTCGCCCTCAACCAGCTGTCACTGCAG-3'

ClinVar aggregate classification (germline): Pathogenic (1 of 4 stars; one submission).

Conditions:
Argininosuccinate lyase deficiency. Also called: Argininosuccinic aciduria; ARGININOSUCCINIC ACID LYASE DEFICIENCY; ASL DEFICIENCY. Identifiers: Orphanet 23, MedGen C0268547, MONDO:0008815, OMIM 207900, HP:0025630.

Submission:

Labcorp Genetics (formerly Invitae), Labcorp
Classification: Pathogenic for Argininosuccinate lyase deficiency. Last evaluated: 2023-04-06. Review status: criteria provided, single submitter. Criteria: Invitae Variant Classification Sherloc (09022015). Collection method: clinical testing. Allele origin: germline.
Comment: This sequence change creates a premature translational stop signal (p.Ser391*) in the ASL gene. It is expected to result in an absent or disrupted protein product. Loss-of-function variants in ASL are known to be pathogenic (PMID: 2263616, 24166829). Information on the frequency of this variant in the gnomAD database is not available, as this variant may be reported differently in the database. This variant has not been reported in the literature in individuals affected with ASL-related conditions. ClinVar contains an entry for this variant (Variation ID: 956283). For these reasons, this variant has been classified as Pathogenic.

Literature cited by the submitters: PubMed 2263616; PubMed 24166829.